The following is an entry in ClinVar:

ClinVar aggregate classification (germline): Benign. Review status: criteria provided, multiple submitters, no conflicts (2 of 4 stars). 2 submissions from 2 submitters: Benign (2). Last evaluated 2012-05-24.

Allele frequency attached by ClinVar (database versions not stated): ExAC 0.00006.

Submissions (2):

GeneDx
Classification: Benign. Last evaluated: 2012-05-24. Review status: criteria provided, single submitter. Criteria: GeneDx Variant Classification (06012015). Collection method: clinical testing. Allele origin: germline. Affected: yes.
Comment: This variant is considered likely benign or benign based on one or more of the following criteria: it is a conservative change, it occurs at a poorly conserved position in the protein, it is predicted to be benign by multiple in silico algorithms, and/or has population frequency not consistent with disease.

Breakthrough Genomics
Classification: Benign. Review status: criteria provided, single submitter. Criteria: ACMG Guidelines, 2015. Collection method: not provided. Allele origin: germline. Inheritance: Autosomal dominant inheritance. Affected: yes.

NM_000256.3(MYBPC3):c.909-13A>C

Gene: MYBPC3 (myosin binding protein C3; minus strand). Cytogenetic location: 11p11.2.
Variant type: single nucleotide variant.
Coding change: c.909-13A>C on transcript NM_000256.3 (MANE Select); 13 bases into the intron before coding-DNA position 909, A replaced by C.
Genome position (GRCh38, 1-based): chr11:47,346,657, T>G on the plus strand (A>C on the coding strand, the complement: MYBPC3 is on the minus strand). VCF-style: chr11-47346657-T-G. GRCh37 (hg19) VCF-style: chr11-47368208-T-G.
Other names: c.909-13A>C (LRG_386t1).
Identifiers: ClinVar variation 138324 (VCV000138324.2), dbSNP rs587781044, ClinGen allele CA016039.